The following is an entry in ClinVar:

NM_000138.5(FBN1):c.7819+1G>T

Gene: FBN1 (fibrillin 1; minus strand). Cytogenetic location: 15q21.1.
Variant type: single nucleotide variant.
Coding change: c.7819+1G>T on transcript NM_000138.5 (MANE Select); the canonical splice donor site of the intron after coding-DNA position 7819, G replaced by T.
Molecular consequence: splice donor variant.
Genome position (GRCh38, 1-based): chr15:48,420,686, C>A on the plus strand (G>T on the coding strand, the complement: FBN1 is on the minus strand). VCF-style: chr15-48420686-C-A. GRCh37 (hg19) VCF-style: chr15-48712883-C-A.
Other names: c.7819+1G>T (NM_001406716.1).
Identifiers: ClinVar variation 457265 (VCV000457265.7), dbSNP rs112907302, ClinGen allele CA392324380.

ClinVar aggregate classification (germline): Pathogenic (1 of 4 stars; one submission).

Conditions:
Marfan syndrome (MFS). Also called: MARFAN SYNDROME, TYPE I; FBN1-Related Marfan Syndrome; Marfan syndrome type 1; Marfan's syndrome; Marfan syndrome, classic. Identifiers: Orphanet 284963, Orphanet 558, MedGen C0024796, MONDO:0007947, OMIM 154700.
Familial thoracic aortic aneurysm and aortic dissection (TAAD). Also called: Thoracic aortic aneurysms and dissections. Identifiers: Orphanet 91387, MedGen C4707243, MONDO:0019625.

Submission:

Labcorp Genetics (formerly Invitae), Labcorp
Classification: Pathogenic for Marfan syndrome; Familial thoracic aortic aneurysm and aortic dissection. Last evaluated: 2025-12-20. Review status: criteria provided, single submitter. Criteria: Invitae Variant Classification Sherloc (09022015). Collection method: clinical testing. Allele origin: germline.
Comment: This sequence change affects a donor splice site in intron 63 of the FBN1 gene. It is expected to disrupt RNA splicing. Variants that disrupt the donor or acceptor splice site typically lead to a loss of protein function (PMID: 16199547), and loss-of-function variants in FBN1 are known to be pathogenic (PMID: 17657824, 19293843). This variant is not present in population databases (gnomAD no frequency). Disruption of this splice site has been observed in individual(s) with Marfan syndrome (PMID: 19293843). ClinVar contains an entry for this variant (Variation ID: 457265). Algorithms developed to predict the effect of sequence changes on RNA splicing suggest that this variant may disrupt the consensus splice site. For these reasons, this variant has been classified as Pathogenic.

Literature cited by the submitters: PubMed 16199547; PubMed 17657824; PubMed 19293843.